The following is an entry in ClinVar:

ClinVar aggregate classification (germline): Uncertain significance. Review status: criteria provided, single submitter (1 of 4 stars). 2 submissions from 2 submitters: Uncertain significance (1). 1 of the submissions does not count toward it. Last evaluated 2022-06-15.

Conditions:
Properdin deficiency, type II. Identifiers: MedGen C1839455.

Submissions (2):

Labcorp Genetics (formerly Invitae), Labcorp
Classification: Uncertain significance. Last evaluated: 2022-06-15. Review status: criteria provided, single submitter. Criteria: Invitae Variant Classification Sherloc (09022015). Collection method: clinical testing. Allele origin: germline.
Comment: This variant is also known as base 2124 in exon 4, where the change of cytidine to thymidine generates an amino acid change from arginine to tryptophan. In summary, the available evidence is currently insufficient to determine the role of this variant in disease. Therefore, it has been classified as a Variant of Uncertain Significance. Algorithms developed to predict the effect of missense changes on protein structure and function are either unavailable or do not agree on the potential impact of this missense change (SIFT: "Deleterious"; PolyPhen-2: "Probably Damaging"; Align-GVGD: "Class C0"). ClinVar contains an entry for this variant (Variation ID: 11182). This missense change has been observed in individual(s) with properdin deficiency type II (PMID: 8530058). This variant is not present in population databases (gnomAD no frequency). This sequence change replaces arginine, which is basic and polar, with tryptophan, which is neutral and slightly polar, at codon 100 of the CFP protein (p.Arg100Trp).

OMIM
Classification: Pathogenic for PROPERDIN DEFICIENCY, TYPE II. Last evaluated: 1995-09-01. Review status: no assertion criteria provided. Collection method: literature only. Allele origin: germline. Not counted in ClinVar's aggregate classification.

Literature cited by the submitters: PubMed 8530058 (cited by Labcorp Genetics (formerly Invitae), Labcorp and OMIM); PubMed 3380115 (cited by OMIM).

NM_001145252.3(CFP):c.298C>T (p.Arg100Trp)

Gene: CFP (complement factor properdin; minus strand). Cytogenetic location: Xp11.23.
Variant type: single nucleotide variant.
Coding change: c.298C>T on transcript NM_001145252.3 (MANE Select); coding-DNA position 298, C replaced by T.
Protein change: p.Arg100Trp; replaces arginine 100 with tryptophan.
Molecular consequence: missense variant.
Genome position (GRCh38, 1-based): chrX:47,628,207, G>A on the plus strand (C>T on the coding strand, the complement: CFP is on the minus strand). VCF-style: chrX-47628207-G-A. GRCh37 (hg19) VCF-style: chrX-47487606-G-A.
Other names: R73W; c.298C>T, p.Arg100Trp (NM_002621.2); short protein forms R100W.
Identifiers: ClinVar variation 11182 (VCV000011182.5), dbSNP rs132630259, ClinGen allele CA121395.